The following is an entry in ClinVar:

ClinVar aggregate classification (germline): Pathogenic (0 of 4 stars; one submission).

Conditions:
Angelman syndrome (AS). Also called: HAPPY PUPPET SYNDROME. Identifiers: Orphanet 72, MedGen C0162635, MONDO:0007113, OMIM 105830. Disease mechanism: loss of function. Inheritance: AS is caused by disruption of maternally imprinted UBE3A located within the 15q11.2-q13 Angelman syndrome/Prader-Willi syndrome (AS/PWS) region., imprinting disorder.

Submission:

Baylor Genetics
Classification: Pathogenic for Angelman Syndrome. Last evaluated: 2014-02-14. Review status: no assertion criteria provided. Collection method: clinical testing. Allele origin: de novo. Affected: yes. Observed: 1 variant allele. Study: UBE3A Mutation Study.
Comment: Data collected from clinical UBE3A sequence analysis results

Literature cited by the submitters: PubMed 25212744.

NM_130839.5(UBE3A):c.1433C>T (p.Pro478Leu)

Genes: SNHG14 (small nucleolar RNA host gene 14; plus strand), UBE3A (ubiquitin protein ligase E3A; minus strand). Cytogenetic location: 15q11.2.
Variant type: single nucleotide variant.
Coding change: c.1433C>T on transcript NM_130839.5 (MANE Select); coding-DNA position 1433, C replaced by T.
Protein change: p.Pro478Leu; replaces proline 478 with leucine.
Molecular consequence: missense variant. On other transcripts: non-coding transcript variant (1), intron variant (2).
Genome position (GRCh38, 1-based): chr15:25,370,741, G>A on the plus strand (C>T on the coding strand, the complement: UBE3A is on the minus strand). VCF-style: chr15-25370741-G-A. GRCh37 (hg19) VCF-style: chr15-25615888-G-A.
Other names: c.1442C>T, p.Pro481Leu (NM_000462.5); c.1433C>T, p.Pro478Leu (NM_001354505.1, NM_001354538.2, NM_001354545.2); c.1373C>T, p.Pro458Leu (NM_001354506.2, NM_001354507.2, NM_001354508.2 and 17 more transcripts); c.1256C>T, p.Pro419Leu (NM_001354546.2); c.301+4724C>T (NM_001354551.2); c.361+4724C>T (NM_001354550.2); short protein forms P458L, P419L, P481L, P478L.
Identifiers: ClinVar variation 136207 (VCV000136207.1), dbSNP rs587780584, ClinGen allele CA333490.